The following is an entry in ClinVar:

ClinVar aggregate classification (germline): Uncertain significance (1 of 4 stars; one submission).

Conditions:
Renal coloboma syndrome (PAPRS). Also called: COLOBOMA OF OPTIC NERVE WITH RENAL DISEASE; OPTIC COLOBOMA, VESICOURETERAL REFLUX, AND RENAL ANOMALIES; OPTIC NERVE COLOBOMA WITH RENAL DISEASE; PAPILLORENAL SYNDROME; PAPILLORENAL SYNDROME WITH MILD OCULAR ABNORMALITIES; CONGENITAL ANOMALIES OF THE KIDNEY AND URINARY TRACT WITH OR WITHOUT OCULAR ABNORMALITIES. Identifiers: Orphanet 1475, MedGen C1852759, MONDO:0007352, OMIM 120330.
Focal segmental glomerulosclerosis 7 (FSGS7). Identifiers: Orphanet 656, MedGen C4014925, MONDO:0014451, OMIM 616002.

Submission:

Labcorp Genetics (formerly Invitae), Labcorp
Classification: Uncertain significance for Renal coloboma syndrome; Focal segmental glomerulosclerosis 7. Last evaluated: 2021-02-15. Review status: criteria provided, single submitter. Criteria: Invitae Variant Classification Sherloc (09022015). Collection method: clinical testing. Allele origin: germline.
Comment: This variant has not been reported in the literature in individuals with PAX2-related conditions. Algorithms developed to predict the effect of missense changes on protein structure and function are either unavailable or do not agree on the potential impact of this missense change (SIFT: "Not Available"; PolyPhen-2: "Probably Damaging"; Align-GVGD: "Not Available"). In summary, the available evidence is currently insufficient to determine the role of this variant in disease. Therefore, it has been classified as a Variant of Uncertain Significance. This variant is not present in population databases (ExAC no frequency). This sequence change replaces glutamic acid with glutamine at codon 199 of the PAX2 protein (p.Glu199Gln). The glutamic acid residue is highly conserved and there is a smallphysicochemical difference between glutamic acid and glutamine.

NM_000278.5(PAX2):c.595G>C (p.Glu199Gln)

Gene: PAX2 (paired box 2; plus strand). Cytogenetic location: 10q24.31.
Variant type: single nucleotide variant.
Coding change: c.595G>C on transcript NM_000278.5 (MANE Select); coding-DNA position 595, G replaced by C.
Protein change: p.Glu199Gln; replaces glutamic acid 199 with glutamine.
Molecular consequence: missense variant.
Genome position (GRCh38, 1-based): chr10:100,781,344, G>C. VCF-style: chr10-100781344-G-C. GRCh37 (hg19) VCF-style: chr10-102541101-G-C.
Other names: c.688G>C, p.Glu230Gln (NM_001304569.2); c.595G>C, p.Glu199Gln (NM_003987.5, NM_003988.5, NM_003989.5 and 1 more transcripts); short protein forms E230Q, E199Q.
Identifiers: ClinVar variation 1423905 (VCV001423905.6), dbSNP rs1262508509, ClinGen allele CA378258626.